The following is an entry in ClinVar:

ClinVar aggregate classification (germline): Uncertain significance (1 of 4 stars; one submission).

Allele frequency attached by ClinVar (database versions not stated): TOPMed below 0.00001; gnomAD exomes 0.00001; ESP Exome Variant Server 0.00008.
gnomAD v4.1: 13 of 1,614,078 alleles (0.00081%); highest among the groups gnomAD compares: Non-Finnish European, 0.0011%; no homozygotes.

Submission:

Labcorp Genetics (formerly Invitae), Labcorp
Classification: Uncertain significance. Last evaluated: 2023-06-15. Review status: criteria provided, single submitter. Criteria: Invitae Variant Classification Sherloc (09022015). Collection method: clinical testing. Allele origin: germline.
Comment: In summary, the available evidence is currently insufficient to determine the role of this variant in disease. Therefore, it has been classified as a Variant of Uncertain Significance. Advanced modeling of protein sequence and biophysical properties (such as structural, functional, and spatial information, amino acid conservation, physicochemical variation, residue mobility, and thermodynamic stability) performed at Invitae indicates that this missense variant is not expected to disrupt ENPP1 protein function. This variant has not been reported in the literature in individuals affected with ENPP1-related conditions. This variant is present in population databases (rs376787576, gnomAD 0.002%). This sequence change replaces asparagine, which is neutral and polar, with histidine, which is basic and polar, at codon 150 of the ENPP1 protein (p.Asn150His).

NM_006208.3(ENPP1):c.448A>C (p.Asn150His)

Gene: ENPP1 (ectonucleotide pyrophosphatase/phosphodiesterase 1; plus strand). Cytogenetic location: 6q23.2.
Variant type: single nucleotide variant.
Coding change: c.448A>C on transcript NM_006208.3 (MANE Select); coding-DNA position 448, A replaced by C.
Protein change: p.Asn150His; replaces asparagine 150 with histidine.
Molecular consequence: missense variant.
Genome position (GRCh38, 1-based): chr6:131,851,159, A>C. VCF-style: chr6-131851159-A-C. GRCh37 (hg19) VCF-style: chr6-132172299-A-C.
Other names: short protein forms N150H.
Identifiers: ClinVar variation 2786429 (VCV002786429.3), dbSNP rs376787576, ClinGen allele CA147926229.